The following is an entry in ClinVar:

NM_152564.5(VPS13B):c.6857A>G (p.Gln2286Arg)

Gene: VPS13B (vacuolar protein sorting 13 homolog B; plus strand). Cytogenetic location: 8q22.2.
Variant type: single nucleotide variant.
Coding change: c.6857A>G on transcript NM_152564.5 (MANE Select); coding-DNA position 6857, A replaced by G.
Protein change: p.Gln2286Arg; replaces glutamine 2286 with arginine.
Molecular consequence: missense variant.
Genome position (GRCh38, 1-based): chr8:99,720,544, A>G. VCF-style: chr8-99720544-A-G. GRCh37 (hg19) VCF-style: chr8-100732772-A-G.
Other names: c.6857A>G (NM_152564.4); c.6932A>G, p.Gln2311Arg (NM_017890.5); short protein forms Q2286R, Q2311R.
Identifiers: ClinVar variation 235368 (VCV000235368.10), dbSNP rs200713917, ClinGen allele CA4824097.

ClinVar aggregate classification (germline): Conflicting classifications of pathogenicity. Review status: criteria provided, conflicting classifications (1 of 4 stars). 3 submissions from 3 submitters: Uncertain significance (2); Likely benign (1). Last evaluated 2026-09-19.

Conditions:
VPS13B-related disorder. Also called: VPS13B-related condition.
Cohen syndrome (COH1). Also called: PEPPER SYNDROME; Cutis verticis gyrata, retinitis pigmentosa, and sensorineural deafness. Identifiers: Orphanet 193, MedGen C0265223, MONDO:0008999, OMIM 216550.

Allele frequency attached by ClinVar (database versions not stated): gnomAD exomes below 0.00001 and 0.00001; ExAC 0.00001; TOPMed 0.00003.
gnomAD v4.1: 10 of 1,613,990 alleles (0.00062%); highest among the groups gnomAD compares: Non-Finnish European, 0.00085%; no homozygotes.

Submissions (3):

PreventionGenetics, part of Exact Sciences
Classification: Uncertain significance for VPS13B-related condition. Last evaluated: 2026-09-19. Review status: criteria provided, single submitter. Criteria: ACMG Guidelines, 2015. Collection method: clinical testing. Allele origin: germline.
Comment: The VPS13B c.6857A>G variant is predicted to result in the amino acid substitution p.Gln2286Arg. To our knowledge, this variant has not been reported in the literature. This variant is reported in 0.00089% of alleles in individuals of European (Non-Finnish) descent in gnomAD. At this time, the clinical significance of this variant is uncertain due to the absence of conclusive functional and genetic evidence.

Labcorp Genetics (formerly Invitae), Labcorp
Classification: Uncertain significance for Cohen syndrome. Last evaluated: 2024-12-19. Review status: criteria provided, single submitter. Criteria: Invitae Variant Classification Sherloc (09022015). Collection method: clinical testing. Allele origin: germline.
Comment: This sequence change replaces glutamine, which is neutral and polar, with arginine, which is basic and polar, at codon 2311 of the VPS13B protein (p.Gln2311Arg). The frequency data for this variant in the population databases is considered unreliable, as metrics indicate poor data quality at this position in the gnomAD database. This variant has not been reported in the literature in individuals affected with VPS13B-related conditions. ClinVar contains an entry for this variant (Variation ID: 235368). Invitae Evidence Modeling of protein sequence and biophysical properties (such as structural, functional, and spatial information, amino acid conservation, physicochemical variation, residue mobility, and thermodynamic stability) indicates that this missense variant is not expected to disrupt VPS13B protein function with a negative predictive value of 80%. In summary, the available evidence is currently insufficient to determine the role of this variant in disease. Therefore, it has been classified as a Variant of Uncertain Significance.

Center for Pediatric Genomic Medicine, Children's Mercy Hospital and Clinics
Classification: Likely benign. Last evaluated: 2016-01-21. Review status: criteria provided, single submitter. Criteria: ACMG Guidelines, 2015. Collection method: clinical testing. Allele origin: germline.
ClinVar note: Converted during submission from Likely Benign to Likely benign.